The following is an entry in ClinVar:

NM_001134363.3(RBM20):c.1984C>G (p.Pro662Ala)

Gene: RBM20 (RNA binding motif protein 20; plus strand). Cytogenetic location: 10q25.2.
Variant type: single nucleotide variant.
Coding change: c.1984C>G on transcript NM_001134363.3 (MANE Select); coding-DNA position 1984, C replaced by G.
Protein change: p.Pro662Ala; replaces proline 662 with alanine.
Molecular consequence: missense variant.
Genome position (GRCh38, 1-based): chr10:110,812,381, C>G. VCF-style: chr10-110812381-C-G. GRCh37 (hg19) VCF-style: chr10-112572139-C-G.
Other names: short protein forms P662A.
Identifiers: ClinVar variation 2853744 (VCV002853744.3), dbSNP rs764563338, ClinGen allele CA378370714.
Genomic context (GRCh38, chr10:110,812,381, plus strand): 5'-TCACTCTCCCCGAGGTCCCACACTCCCAGCTTCACCTCCTGCAGCTCTTCCCACAGCCCT[C>G]CGGGCCCCTCCCGGGCTGACTGGGGCAATGGCCGGGACTCCTGGGAGCACTCTCCCTATG-3'
Protein context (NP_001127835.2, residues 652-672): FTSCSSSHSP[Pro662Ala]GPSRADWGNG

ClinVar aggregate classification (germline): Uncertain significance (1 of 4 stars; one submission).

Conditions:
Dilated cardiomyopathy 1DD (CMD1DD). Identifiers: Orphanet 154, MedGen C2750995, MONDO:0013168, OMIM 613172.

Submission:

Labcorp Genetics (formerly Invitae), Labcorp
Classification: Uncertain significance for Dilated cardiomyopathy 1DD. Last evaluated: 2023-04-08. Review status: criteria provided, single submitter. Criteria: Invitae Variant Classification Sherloc (09022015). Collection method: clinical testing. Allele origin: germline.
Comment: This sequence change replaces proline, which is neutral and non-polar, with alanine, which is neutral and non-polar, at codon 662 of the RBM20 protein (p.Pro662Ala). This variant is not present in population databases (gnomAD no frequency). This variant has not been reported in the literature in individuals affected with RBM20-related conditions. Advanced modeling of protein sequence and biophysical properties (such as structural, functional, and spatial information, amino acid conservation, physicochemical variation, residue mobility, and thermodynamic stability) performed at Invitae indicates that this missense variant is not expected to disrupt RBM20 protein function. In summary, the available evidence is currently insufficient to determine the role of this variant in disease. Therefore, it has been classified as a Variant of Uncertain Significance.